The following is an entry in ClinVar:

ClinVar aggregate classification (germline): Uncertain significance (1 of 4 stars; one submission).

Conditions:
Sitosterolemia (STSL). Also called: PHYTOSTEROLEMIA. Identifiers: Orphanet 2882, MedGen C0342907, MONDO:0008863.

Allele frequency attached by ClinVar (database versions not stated): TOPMed 0.00001; gnomAD 0.00001; gnomAD exomes below 0.00001.
gnomAD v4.1: 6 of 1,614,022 alleles (0.00037%); highest among the groups gnomAD compares: African/African-American, 0.0013%; no homozygotes.

Submission:

Labcorp Genetics (formerly Invitae), Labcorp
Classification: Uncertain significance for Sitosterolemia. Last evaluated: 2025-12-23. Review status: criteria provided, single submitter. Criteria: Invitae Variant Classification Sherloc (09022015). Collection method: clinical testing. Allele origin: germline.
Comment: This sequence change replaces valine, which is neutral and non-polar, with leucine, which is neutral and non-polar, at codon 236 of the ABCG5 protein (p.Val236Leu). This variant is not present in population databases (gnomAD no frequency). This variant has not been reported in the literature in individuals affected with ABCG5-related conditions. ClinVar contains an entry for this variant (Variation ID: 2739647). An algorithm developed to predict the effect of missense changes on protein structure and function (PolyPhen-2) suggests that this variant is likely to be tolerated. In summary, the available evidence is currently insufficient to determine the role of this variant in disease. Therefore, it has been classified as a Variant of Uncertain Significance.

NM_022436.3(ABCG5):c.706G>C (p.Val236Leu)

Genes: ABCG5 (ATP binding cassette subfamily G member 5; minus strand), DYNC2LI1 (dynein cytoplasmic 2 light intermediate chain 1; plus strand). Cytogenetic location: 2p21.
Variant type: single nucleotide variant.
Coding change: c.706G>C on transcript NM_022436.3 (MANE Select); coding-DNA position 706, G replaced by C.
Protein change: p.Val236Leu; replaces valine 236 with leucine.
Molecular consequence: missense variant. On other transcripts: intron variant (2).
Genome position (GRCh38, 1-based): chr2:43,826,450, C>G on the plus strand (G>C on the coding strand, the complement: ABCG5 is on the minus strand). VCF-style: chr2-43826450-C-G. GRCh37 (hg19) VCF-style: chr2-44053589-C-G.
Other names: c.*16-936C>G (NM_001348913.2, NM_001348912.2); short protein forms V236L.
Identifiers: ClinVar variation 2739647 (VCV002739647.3), dbSNP rs978195132, ClinGen allele CA346666442.